The following is an entry in ClinVar:

ClinVar aggregate classification (germline): Benign/Likely benign. Review status: criteria provided, multiple submitters, no conflicts (2 of 4 stars). 19 submissions from 17 submitters: Benign (13); Likely benign (1). 5 of the submissions do not count toward it. Last evaluated 2026-03-15.

Conditions:
Distal myopathy with anterior tibial onset. Identifiers: Orphanet 178400, MedGen C1847532, MONDO:0011721, OMIM 606768.
Neuromuscular disease caused by qualitative or quantitative defects of dysferlin. Also called: Dysferlinopathy; Qualitative or quantitative defects of dysferlin. Identifiers: Orphanet 207073, MedGen C2931687, MONDO:0016145.
Autosomal recessive limb-girdle muscular dystrophy type 2B (LGMDR2). Also called: MUSCULAR DYSTROPHY, LIMB-GIRDLE, TYPE 3; Limb-Girdle Muscular Dystrophy Type 2B (LGMD2B); Limb-girdle muscular dystrophy, type 2B; MUSCULAR DYSTROPHY, LIMB-GIRDLE, AUTOSOMAL RECESSIVE 2. Identifiers: Orphanet 268, MedGen C1850889, MONDO:0009676, OMIM 253601.
Miyoshi muscular dystrophy 1 (MMD1). Identifiers: Orphanet 45448, MedGen C4551973, MONDO:0024545, OMIM 254130.

Allele frequency attached by ClinVar (database versions not stated): gnomAD exomes 0.59667; ExAC 0.60416; TOPMed 0.67753; gnomAD 0.67789 and 0.69367; ESP Exome Variant Server 0.71621; 1000 Genomes Project 0.55052; 1000 Genomes Project 30x 0.56262.
gnomAD v4.1: 1,056,348 of 1,613,856 alleles (65%); highest among the groups gnomAD compares: African/African-American, 82%; 355,023 homozygotes.

Submissions (19):

Women's Health and Genetics/Laboratory Corporation of America, LabCorp
Classification: Benign. Last evaluated: 2026-03-15. Review status: criteria provided, single submitter. Criteria: LabCorp Variant Classification Summary - May 2015. Collection method: clinical testing. Allele origin: germline.

Labcorp Genetics (formerly Invitae), Labcorp
Classification: Benign for Neuromuscular disease caused by qualitative or quantitative defects of dysferlin. Last evaluated: 2026-02-04. Review status: criteria provided, single submitter. Criteria: Invitae Variant Classification Sherloc (09022015). Collection method: clinical testing. Allele origin: germline.

Blueprint Genetics
Classification: Likely benign. Last evaluated: 2024-11-26. Review status: criteria provided, single submitter. Criteria: ACMG Guidelines, 2015. Collection method: clinical testing. Allele origin: germline.

Genome-Nilou Lab
Classification: Benign for Autosomal recessive limb-girdle muscular dystrophy type 2B. Last evaluated: 2021-07-30. Review status: criteria provided, single submitter. Criteria: ACMG Guidelines, 2015. Collection method: clinical testing. Allele origin: germline. Affected: no.

Genome-Nilou Lab
Classification: Benign for Distal myopathy with anterior tibial onset. Last evaluated: 2021-07-30. Review status: criteria provided, single submitter. Criteria: ACMG Guidelines, 2015. Collection method: clinical testing. Allele origin: germline. Affected: no.

Genome-Nilou Lab
Classification: Benign for Miyoshi muscular dystrophy 1. Last evaluated: 2021-06-10. Review status: criteria provided, single submitter. Criteria: ACMG Guidelines, 2015. Collection method: clinical testing. Allele origin: germline. Affected: no.

Athena Diagnostics
Classification: Benign. Last evaluated: 2019-01-16. Review status: criteria provided, single submitter. Criteria: Athena Diagnostics Criteria. Collection method: clinical testing. Allele origin: germline.

Illumina Laboratory Services, Illumina
Classification: Benign for Qualitative or quantitative defects of dysferlin. Last evaluated: 2018-01-12. Review status: criteria provided, single submitter. Criteria: ICSL Variant Classification Criteria 13 December 2019. Collection method: clinical testing. Allele origin: germline.
Comment: This variant was observed in the ICSL laboratory as part of a predisposition screen in an ostensibly healthy population. It had not been previously curated by ICSL or reported in the Human Gene Mutation Database (HGMD: prior to June 1st, 2018), and was therefore a candidate for classification through an automated scoring system. Utilizing variant allele frequency, disease prevalence and penetrance estimates, and inheritance mode, an automated score was calculated to assess if this variant is too frequent to cause the disease. Based on the score and internal cut-off values, a variant classified as benign is not then subjected to further curation. The score for this variant resulted in a classification of benign for this disease.

Mayo Clinic Laboratories, Mayo Clinic
Classification: Benign. Last evaluated: 2017-07-21. Review status: criteria provided, single submitter. Criteria: ACMG Guidelines, 2015. Collection method: clinical testing. Allele origin: germline. Observed: 1,006 variant alleles.

GeneDx
Classification: Benign. Last evaluated: 2016-01-05. Review status: criteria provided, single submitter. Criteria: GeneDx Variant Classification (06012015). Collection method: clinical testing. Allele origin: germline. Affected: yes.
Comment: This variant is considered likely benign or benign based on one or more of the following criteria: it is a conservative change, it occurs at a poorly conserved position in the protein, it is predicted to be benign by multiple in silico algorithms, and/or has population frequency not consistent with disease.

Eurofins Ntd Llc (ga)
Classification: Benign. Last evaluated: 2015-04-24. Review status: criteria provided, single submitter. Criteria: EGL Classification Definitions 2015. Collection method: clinical testing. Allele origin: germline. Observed: 157 variant alleles, 71 heterozygotes, 86 homozygotes.

Laboratory for Molecular Medicine, Mass General Brigham Personalized Medicine
Classification: Benign. Last evaluated: 2015-01-13. Review status: criteria provided, single submitter. Criteria: LMM Criteria. Collection method: clinical testing. Allele origin: germline. Observed: 10 variant alleles.
Comment: p.Ser879Ser in exon 25 of DYSF: This variant is not expected to have clinical si gnificance because it does not alter an amino acid residue and is not located wi thin the splice consensus sequence. It has been identified in 33.1% (2848/8600) of European American chromosomes from a broad population by the NHLBI Exome Sequ encing Project (dbSNP rs2288355).

Breakthrough Genomics
Classification: Benign. Review status: criteria provided, single submitter. Criteria: ACMG Guidelines, 2015. Collection method: not provided. Allele origin: germline. Inheritance: Autosomal recessive inheritance. Affected: yes.

PreventionGenetics, part of Exact Sciences
Classification: Benign. Review status: criteria provided, single submitter. Criteria: ACMG Guidelines, 2015. Collection method: clinical testing. Allele origin: germline.

Natera, Inc.
Classification: Benign for Limb-girdle muscular dystrophy type 2B. Last evaluated: 2020-09-16. Review status: no assertion criteria provided. Collection method: clinical testing. Allele origin: germline. Not counted in ClinVar's aggregate classification.

Clinical Genetics, Academic Medical Center
Classification: Benign. Review status: no assertion criteria provided. Collection method: clinical testing. Allele origin: germline. Affected: yes. Study: VKGL Data-share Consensus. Not counted in ClinVar's aggregate classification.

Diagnostic Laboratory, Department of Genetics, University Medical Center Groningen
Classification: Benign. Review status: no assertion criteria provided. Collection method: clinical testing. Allele origin: germline. Affected: yes. Study: VKGL Data-share Consensus. Not counted in ClinVar's aggregate classification.

Genetic Services Laboratory, University of Chicago
Classification: Likely benign for AllHighlyPenetrant. Review status: no assertion criteria provided. Collection method: clinical testing. Allele origin: germline. Inheritance: Autosomal recessive inheritance. Not counted in ClinVar's aggregate classification.
Comment: Likely benign based on allele frequency in 1000 Genomes Project or ESP global frequency and its presence in a patient with a rare or unrelated disease phenotype. NOT Sanger confirmed.

Joint Genome Diagnostic Labs from Nijmegen and Maastricht, Radboudumc and MUMC+
Classification: Benign. Review status: no assertion criteria provided. Collection method: clinical testing. Allele origin: germline. Affected: yes. Study: VKGL Data-share Consensus. Not counted in ClinVar's aggregate classification.

NM_001130987.2(DYSF):c.2637A>T (p.Ser879=)

Gene: DYSF (dysferlin; plus strand). Cytogenetic location: 2p13.2.
Variant type: single nucleotide variant.
Coding change: c.2637A>T on transcript NM_001130987.2 (MANE Select); coding-DNA position 2637, A replaced by T.
Protein change: p.Ser879=; no amino-acid change (serine 879 retained).
Molecular consequence: synonymous variant.
Genome position (GRCh38, 1-based): chr2:71,568,022, A>T. VCF-style: chr2-71568022-A-T. GRCh37 (hg19) VCF-style: chr2-71795152-A-T.
Other names: p.Ser861=; c.2586A>T, p.Ser862= (NM_001130455.2, NM_001130983.2); c.2541A>T, p.Ser847= (NM_001130976.2, NM_001130977.2); c.2583A>T, p.Ser861= (NM_001130978.2, NM_003494.4); c.2676A>T, p.Ser892= (NM_001130979.2); c.2634A>T, p.Ser878= (NM_001130980.2, NM_001130981.2); c.2679A>T, p.Ser893= (NM_001130982.2); c.2544A>T, p.Ser848= (NM_001130984.2, NM_001130986.2); and 1 more.
Identifiers: ClinVar variation 94290 (VCV000094290.42), dbSNP rs2288355, ClinGen allele CA147736.
Genomic context (GRCh38, chr2:71,568,022, plus strand): 5'-GAAGGTGCCTGGCGCCCGGATGCCAGTGCAGATACGGGTCAAGCTGTGGTTTGGGCTCTC[A>T]GTGGATGAGAAGGAGTTCAACCAGTTTGCTGAGGGGAAGCTGTCTGTCTTTGCTGAAACC-3'
Protein context (NP_001124459.1, residues 869-889): QIRVKLWFGL[Ser879=]VDEKEFNQFA